The following is an entry in ClinVar:

ClinVar aggregate classification (germline): Conflicting classifications of pathogenicity. Review status: criteria provided, conflicting classifications (1 of 4 stars). 2 submissions from 2 submitters: Pathogenic (1); Uncertain significance (1). Last evaluated 2024-07-05.

Conditions:
Mast syndrome. Also called: SPASTIC PARAPLEGIA 21, AUTOSOMAL RECESSIVE. Identifiers: Orphanet 101001, MedGen C1855346, MONDO:0009568, OMIM 248900.

Submissions (2):

Institute of Human Genetics Munich, TUM University Hospital
Classification: Pathogenic for Mast syndrome. Last evaluated: 2024-07-05. Review status: criteria provided, single submitter. Criteria: Classification criteria August 2017. Collection method: clinical testing. Allele origin: inherited. Inheritance: Autosomal recessive inheritance. Affected: yes. Observed: 1 variant allele.

CeGaT Center for Human Genetics Tuebingen
Classification: Uncertain significance. Last evaluated: 2023-08-01. Review status: criteria provided, single submitter. Criteria: CeGaT Center For Human Genetics Tuebingen Variant Classification Criteria Version 2. Collection method: clinical testing. Allele origin: germline. Affected: yes. Observed: 1 variant allele.
Comment: SPG21: PM2, PM3:Supporting, PP3

NM_016630.7(SPG21):c.306+6T>A

Gene: SPG21 (SPG21 abhydrolase domain containing, maspardin; minus strand). Cytogenetic location: 15q22.31.
Variant type: single nucleotide variant.
Coding change: c.306+6T>A on transcript NM_016630.7 (MANE Select); 6 bases into the intron after coding-DNA position 306, T replaced by A.
Molecular consequence: intron variant.
Genome position (GRCh38, 1-based): chr15:64,976,469, A>T on the plus strand (T>A on the coding strand, the complement: SPG21 is on the minus strand). VCF-style: chr15-64976469-A-T. GRCh37 (hg19) VCF-style: chr15-65268807-A-T.
Other names: c.226-1722T>A (NM_001127890.5); c.306+6T>A (NM_001127889.5).
Identifiers: ClinVar variation 2578742 (VCV002578742.30), dbSNP rs2506113141, ClinGen allele CA2580618010.